The following is an entry in ClinVar:

NM_030962.4(SBF2):c.2500C>T (p.Gln834Ter)

Genes: SBF2 (SET binding factor 2; minus strand), LOC101928008 (uncharacterized LOC101928008; plus strand). Cytogenetic location: 11p15.4.
Variant type: single nucleotide variant.
Coding change: c.2500C>T on transcript NM_030962.4 (MANE Select); coding-DNA position 2500, C replaced by T.
Protein change: p.Gln834Ter; replaces glutamine 834 with a stop codon.
Molecular consequence: nonsense.
Genome position (GRCh38, 1-based): chr11:9,853,576, G>A on the plus strand (C>T on the coding strand, the complement: SBF2 is on the minus strand). VCF-style: chr11-9853576-G-A. GRCh37 (hg19) VCF-style: chr11-9875123-G-A.
Other names: c.2500C>T, p.Gln834Ter (NM_001386339.1); c.2371C>T, p.Gln791Ter (NM_001386342.1); c.2536C>T, p.Gln846Ter (NM_001424318.1, NM_001425069.1, NM_001425070.1); short protein forms Q791*, Q834*, Q846*.
Identifiers: ClinVar variation 4850113 (VCV004850113.1).

ClinVar aggregate classification (germline): Likely pathogenic (1 of 4 stars; one submission).

Conditions:
Charcot-Marie-Tooth disease type 4B2. Also called: Charcot-Marie-Tooth Neuropathy Type 4B2; CMT 4B2; CHARCOT-MARIE-TOOTH DISEASE, DEMYELINATING, TYPE 4B2; CHARCOT-MARIE-TOOTH DISEASE, WITH FOCALLY FOLDED MYELIN SHEATHS, AUTOSOMAL RECESSIVE, TYPE 4B2. Identifiers: Orphanet 99956, MedGen C1858278, MONDO:0011475, OMIM 604563.

Submission:

Variantyx, Inc.
Classification: Likely pathogenic for Charcot-Marie-Tooth disease type 4B2. Last evaluated: 2025-07-23. Review status: criteria provided, single submitter. Criteria: Variantyx Assertion Criteria 2022. Collection method: clinical testing. Allele origin: germline. Inheritance: Autosomal recessive inheritance. Affected: no.
Comment: This is a nonsense variant in the SBF2 gene (OMIM: 607697). Pathogenic variants in this gene have been associated with autosomal recessive Charcot-Marie-Tooth disease, type 4B2. This variant introduces a premature termination codon in exon 20 out of 40 and is expected to result in loss of function, which is a known disease mechanism for SBF2 in this disorder (PMID: 12687498, 25873783, 17855448, 18349142) (PVS1). This variant is absent from control populations (PM2). Based on the current evidence, this variant is classified as likely pathogenic for autosomal recessive Charcot-Marie-Tooth disease, type 4B2.

Literature cited by the submitters: PubMed 12687498; PubMed 25873783; PubMed 7855448; PubMed 18349142.